The following is an entry in ClinVar:

ClinVar aggregate classification (germline): Uncertain significance. Review status: criteria provided, multiple submitters, no conflicts (2 of 4 stars). 4 submissions from 4 submitters: Uncertain significance (4). Last evaluated 2024-07-29.

Conditions:
Classic or attenuated familial adenomatous polyposis. Identifiers: MedGen CN372698, MONDO:0021057.
Hereditary cancer-predisposing syndrome. Also called: Hereditary Cancer Syndrome; Hereditary neoplastic syndrome; Neoplastic Syndromes, Hereditary; Tumor predisposition. Identifiers: Orphanet 140162, MedGen C0027672, MeSH D009386, MONDO:0015356.
Familial adenomatous polyposis 1 (FAP1). Also called: POLYPOSIS, ADENOMATOUS INTESTINAL; FAMILIAL ADENOMATOUS POLYPOSIS 1, ATTENUATED. Identifiers: MedGen C2713442, MONDO:0021056, OMIM 175100. Disease mechanism: loss of function.

Allele frequency attached by ClinVar (database versions not stated): gnomAD exomes below 0.00001.
gnomAD v4.1: 1 of 1,614,028 alleles (0.000062%); highest among the groups gnomAD compares: South Asian, 0.0011%; no homozygotes.

Submissions (4):

All of Us Research Program, National Institutes of Health
Classification: Uncertain significance for Classic or attenuated familial adenomatous polyposis. Last evaluated: 2024-07-29. Review status: criteria provided, single submitter. Criteria: ACMG Guidelines, 2015. Collection method: clinical testing. Allele origin: germline. Inheritance: Autosomal dominant inheritance. Observed: 1 variant allele, 1 heterozygote.
Comment: This missense variant replaces lysine with glutamic acid at codon 2695 of the APC protein. Computational prediction suggests that this variant may not impact protein structure and function (internally defined REVEL score threshold <= 0.5, PMID: 27666373). To our knowledge, functional studies have not been reported for this variant. This variant has not been reported in individuals affected with APC-related disorders in the literature. This variant has not been identified in the general population by the Genome Aggregation Database (gnomAD). The available evidence is insufficient to determine the role of this variant in disease conclusively. Therefore, this variant is classified as a Variant of Uncertain Significance.

This study involves interpretation of variants in research participants for the purpose of population health screening. Participant phenotype was not available at the time of variant classification. Additional details can be found in publication PMID: 35346344, PMCID: PMC8962531

Labcorp Genetics (formerly Invitae), Labcorp
Classification: Uncertain significance for Familial adenomatous polyposis 1. Last evaluated: 2024-06-10. Review status: criteria provided, single submitter. Criteria: Invitae Variant Classification Sherloc (09022015). Collection method: clinical testing. Allele origin: germline.
Comment: This sequence change replaces lysine, which is basic and polar, with glutamic acid, which is acidic and polar, at codon 2695 of the APC protein (p.Lys2695Glu). This variant is not present in population databases (gnomAD no frequency). This variant has not been reported in the literature in individuals affected with APC-related conditions. ClinVar contains an entry for this variant (Variation ID: 2505048). Advanced modeling of protein sequence and biophysical properties (such as structural, functional, and spatial information, amino acid conservation, physicochemical variation, residue mobility, and thermodynamic stability) performed at Invitae indicates that this missense variant is not expected to disrupt APC protein function with a negative predictive value of 95%. In summary, the available evidence is currently insufficient to determine the role of this variant in disease. Therefore, it has been classified as a Variant of Uncertain Significance.

Color Diagnostics, LLC DBA Color Health
Classification: Uncertain significance for Hereditary cancer-predisposing syndrome. Last evaluated: 2024-05-31. Review status: criteria provided, single submitter. Criteria: ACMG Guidelines, 2015. Collection method: clinical testing. Allele origin: germline.
Comment: This missense variant replaces lysine with glutamic acid at codon 2695 of the APC protein. Computational prediction suggests that this variant may not impact protein structure and function (internally defined REVEL score threshold <= 0.5, PMID: 27666373). To our knowledge, functional studies have not been reported for this variant. This variant has not been reported in individuals affected with APC-related disorders in the literature. This variant has not been identified in the general population by the Genome Aggregation Database (gnomAD). The available evidence is insufficient to determine the role of this variant in disease conclusively. Therefore, this variant is classified as a Variant of Uncertain Significance.

GeneDx
Classification: Uncertain significance. Last evaluated: 2022-12-08. Review status: criteria provided, single submitter. Criteria: GeneDx Variant Classification Process June 2021. Collection method: clinical testing. Allele origin: germline. Affected: yes.
Comment: Not observed at significant frequency in large population cohorts (gnomAD); Has not been previously published as pathogenic or benign to our knowledge; This variant is associated with the following publications: (PMID: 18199528)

NM_000038.6(APC):c.8083A>G (p.Lys2695Glu)

Gene: APC (APC regulator of Wnt signaling pathway; plus strand). Cytogenetic location: 5q22.2.
Variant type: single nucleotide variant.
Coding change: c.8083A>G on transcript NM_000038.6 (MANE Select); coding-DNA position 8083, A replaced by G.
Protein change: p.Lys2695Glu; replaces lysine 2695 with glutamic acid.
Molecular consequence: missense variant. On other transcripts: non-coding transcript variant (2).
Genome position (GRCh38, 1-based): chr5:112,843,677, A>G. VCF-style: chr5-112843677-A-G. GRCh37 (hg19) VCF-style: chr5-112179374-A-G.
Other names: c.8083A>G, p.Lys2695Glu (NM_001127510.3, NM_001354895.2, NM_001407450.1); c.8029A>G, p.Lys2677Glu (NM_001127511.3); c.8137A>G, p.Lys2713Glu (NM_001354896.2, NM_001407447.1, NM_001407448.1 and 1 more transcripts); c.8113A>G, p.Lys2705Glu (NM_001354897.2); c.8008A>G, p.Lys2670Glu (NM_001354898.2); c.7999A>G, p.Lys2667Glu (NM_001354899.2); c.7960A>G, p.Lys2654Glu (NM_001354900.2); c.7906A>G, p.Lys2636Glu (NM_001354901.2, NM_001407453.1); and 11 more; short protein forms K2311E, K2412E, K2535E, K2566E, K2569E, K2594E, K2604E, K2612E.
Identifiers: ClinVar variation 2505048 (VCV002505048.5), dbSNP rs2149998950, ClinGen allele CA16038882.